The following is an entry in ClinVar:

NM_001330311.2(DVL1):c.1914C>G (p.Ala638=)

Gene: DVL1 (dishevelled segment polarity protein 1; minus strand). Cytogenetic location: 1p36.33.
Variant type: single nucleotide variant.
Coding change: c.1914C>G on transcript NM_001330311.2 (MANE Select); coding-DNA position 1914, C replaced by G.
Protein change: p.Ala638=; no amino-acid change (alanine 638 retained).
Molecular consequence: synonymous variant.
Genome position (GRCh38, 1-based): chr1:1,336,316, G>C on the plus strand (C>G on the coding strand, the complement: DVL1 is on the minus strand). VCF-style: chr1-1336316-G-C. GRCh37 (hg19) VCF-style: chr1-1271696-G-C.
Other names: c.1839C>G, p.Ala613= (NM_004421.3).
Identifiers: ClinVar variation 3250766 (VCV003250766.19), dbSNP rs531643983.

ClinVar aggregate classification (germline): Likely benign. Review status: criteria provided, multiple submitters, no conflicts (2 of 4 stars). 2 submissions from 2 submitters: Likely benign (2). Last evaluated 2025-05-18.

Allele frequency attached by ClinVar (database versions not stated): 1000 Genomes Project 30x 0.00094; 1000 Genomes Project 0.00140.
gnomAD v4.1: 31 of 1,572,092 alleles (0.002%); highest among the groups gnomAD compares: South Asian, 0.033%; no homozygotes.

Submissions (2):

Labcorp Genetics (formerly Invitae), Labcorp
Classification: Likely benign. Last evaluated: 2025-05-18. Review status: criteria provided, single submitter. Criteria: Invitae Variant Classification Sherloc (09022015). Collection method: clinical testing. Allele origin: germline.

CeGaT Center for Human Genetics Tuebingen
Classification: Likely benign. Last evaluated: 2024-06-01. Review status: criteria provided, single submitter. Criteria: CeGaT Center For Human Genetics Tuebingen Variant Classification Criteria Version 2. Collection method: clinical testing. Allele origin: germline. Affected: yes. Observed: 1 variant allele.
Comment: DVL1: BP4, BP7